The following is an entry in ClinVar:

NM_001105206.3(LAMA4):c.5309T>C (p.Phe1770Ser)

Gene: LAMA4 (laminin subunit alpha 4; minus strand). Cytogenetic location: 6q21.
Variant type: single nucleotide variant.
Coding change: c.5309T>C on transcript NM_001105206.3 (MANE Select); coding-DNA position 5309, T replaced by C.
Protein change: p.Phe1770Ser; replaces phenylalanine 1770 with serine.
Molecular consequence: missense variant.
Genome position (GRCh38, 1-based): chr6:112,114,093, A>G on the plus strand (T>C on the coding strand, the complement: LAMA4 is on the minus strand). VCF-style: chr6-112114093-A-G. GRCh37 (hg19) VCF-style: chr6-112435296-A-G.
Other names: p.F1763S:TTT>TCT; c.5288T>C, p.Phe1763Ser (NM_001105207.3, NM_002290.5); short protein forms F1763S, F1770S.
Identifiers: ClinVar variation 213596 (VCV000213596.7), dbSNP rs782498118, ClinGen allele CA321684.

ClinVar aggregate classification (germline): Uncertain significance. Review status: criteria provided, multiple submitters, no conflicts (2 of 4 stars). 2 submissions from 2 submitters: Uncertain significance (2). Last evaluated 2024-04-19.

Conditions:
Cardiovascular phenotype. Identifiers: MedGen CN230736.

Allele frequency attached by ClinVar (database versions not stated): gnomAD exomes below 0.00001.
gnomAD v4.1: 6 of 1,613,900 alleles (0.00037%); highest among the groups gnomAD compares: Non-Finnish European, 0.00051%; no homozygotes.

Submissions (2):

GeneDx
Classification: Uncertain significance. Last evaluated: 2024-04-19. Review status: criteria provided, single submitter. Criteria: GeneDx Variant Classification Process June 2021. Collection method: clinical testing. Allele origin: germline. Affected: yes.
Comment: Has not been previously published as pathogenic or benign to our knowledge; Not observed at significant frequency in large population cohorts (gnomAD); In silico analysis supports that this missense variant has a deleterious effect on protein structure/function

Ambry Genetics
Classification: Uncertain significance for Cardiovascular phenotype. Last evaluated: 2021-07-07. Review status: criteria provided, single submitter. Criteria: Ambry Variant Classification Scheme 2023. Collection method: clinical testing. Allele origin: germline.
Comment: The p.F1763S variant (also known as c.5288T>C), located in coding exon 37 of the LAMA4 gene, results from a T to C substitution at nucleotide position 5288. The phenylalanine at codon 1763 is replaced by serine, an amino acid with highly dissimilar properties. This amino acid position is conserved. In addition, this alteration is predicted to be deleterious by in silico analysis. Since supporting evidence is limited at this time, the clinical significance of this alteration remains unclear.